The following is an entry in ClinVar:

NM_012431.3(SEMA3E):c.1367-17GTTTT[3]

Gene: SEMA3E (semaphorin 3E; minus strand). Cytogenetic location: 7q21.11.
Variant type: Microsatellite.
Coding change: c.1367-17GTTTT[3] on transcript NM_012431.3 (MANE Select); three copies in a row of the 5-base unit GTTTT starting at c.1367-17; the reference has two copies in a row; one copy, 5 bases duplicated.
Molecular consequence: intron variant.
Genome position (GRCh38, 1-based): chr7:83,396,737-83,396,741, AAAAC duplicated on the plus strand (GTTTT on the coding strand, the reverse complement: SEMA3E is on the minus strand); duplicating any 5 consecutive bases within chr7:83,396,737-83,396,748 gives the same sequence; the position shown is the placement nearest the transcript's 3' end. VCF-style (leftmost placement, unchanged base first): chr7-83396736-G-GAAAAC. GRCh37 (hg19) VCF-style: chr7-83026052-G-GAAAAC.
Other names: c.1187-17GTTTT[3] (NM_001178129.2).
Identifiers: ClinVar variation 1987333 (VCV001987333.18), dbSNP rs1464565533, ClinGen allele CA575814364.
Genomic context (GRCh38, chr7:83,396,736, plus strand): 5'-TTGATTCCATTTCTTGGTTGTAAATTGTGATTACTTTCAGCACAATTCCATTATCTGTAA[G>GAAAAC]AAAACAAAACAAGAAATAAACTAGAATCTATGTCACAGTACGGTTTTCAAAAAAACCATG-3'

ClinVar aggregate classification (germline): Likely benign. Review status: criteria provided, multiple submitters, no conflicts (2 of 4 stars). 2 submissions from 2 submitters: Likely benign (2). Last evaluated 2024-11-01.

Conditions:
CHARGE syndrome (CHARGE). Also called: Hittner Hirsch Kreh syndrome; CHARGE ASSOCIATION--COLOBOMA, HEART ANOMALY, CHOANAL ATRESIA, RETARDATION, GENITAL AND EAR ANOMALIES; Coloboma, heart anomaly, choanal atresia, retardation, genital and ear anomalies; CHARGE association; Hall-Hittner syndrome. Identifiers: Orphanet 138, MedGen C0265354, MONDO:0008965.

Submissions (2):

CeGaT Center for Human Genetics Tuebingen
Classification: Likely benign. Last evaluated: 2024-11-01. Review status: criteria provided, single submitter. Criteria: CeGaT Center For Human Genetics Tuebingen Variant Classification Criteria Version 2. Collection method: clinical testing. Allele origin: germline. Affected: yes. Observed: 1 variant allele.
Comment: SEMA3E: BP4

Labcorp Genetics (formerly Invitae), Labcorp
Classification: Likely benign for CHARGE syndrome. Last evaluated: 2024-06-06. Review status: criteria provided, single submitter. Criteria: Invitae Variant Classification Sherloc (09022015). Collection method: clinical testing. Allele origin: germline.